The following is an entry in ClinVar:

NM_001378452.1(ITPR1):c.4843-7G>A

Genes: BRRIAR (BHLHE40 and RIG-I regulating ITPR1 antisense RNA; minus strand), ITPR1 (inositol 1,4,5-trisphosphate receptor type 1; plus strand). Cytogenetic location: 3p26.1.
Variant type: single nucleotide variant.
Coding change: c.4843-7G>A on transcript NM_001378452.1 (MANE Select); 7 bases into the intron before coding-DNA position 4843, G replaced by A.
Molecular consequence: intron variant.
Genome position (GRCh38, 1-based): chr3:4,710,318, G>A. VCF-style: chr3-4710318-G-A. GRCh37 (hg19) VCF-style: chr3-4752002-G-A.
Other names: c.4816-7G>A (NM_001099952.4); c.4798-7G>A (NM_001168272.2); c.4771-7G>A (NM_002222.7, NM_002222.5).
Identifiers: ClinVar variation 994904 (VCV000994904.41), dbSNP rs184969640, ClinGen allele CA2232129.

ClinVar aggregate classification (germline): Conflicting classifications of pathogenicity. Review status: criteria provided, conflicting classifications (1 of 4 stars). 6 submissions from 6 submitters: Uncertain significance (1); Likely benign (4). 1 of the submissions does not count toward it. Last evaluated 2026-03-03.

Conditions:
ITPR1-related disorder. Also called: ITPR1-related condition.

Allele frequency attached by ClinVar (database versions not stated): gnomAD exomes 0.00007; ExAC 0.00013; gnomAD 0.00016 and 0.00018; TOPMed 0.00016; ESP Exome Variant Server 0.00023; 1000 Genomes Project 0.00040; 1000 Genomes Project 30x 0.00078.
gnomAD v4.1: 112 of 1,544,126 alleles (0.0073%); highest among the groups gnomAD compares: African/African-American, 0.046%; no homozygotes.

Submissions (6):

Women's Health and Genetics/Laboratory Corporation of America, LabCorp
Classification: Likely benign. Last evaluated: 2026-03-03. Review status: criteria provided, single submitter. Criteria: LabCorp Variant Classification Summary - May 2015. Collection method: clinical testing. Allele origin: germline.
Comment: Variant summary: ITPR1 c.4771-7G>A alters a nucleotide located at a position not widely known to affect splicing. Consensus agreement among computation tools predict no significant impact on normal splicing. However, these predictions have yet to be confirmed by functional studies. The variant allele was found at a frequency of 6.9e-05 in 174682 control chromosomes. This frequency is not significantly higher than estimated for disease-causing variants in ITPR1, allowing no conclusion about variant significance. To our knowledge, no occurrence of c.4771-7G>A in individuals affected with ITPR1-related conditions and no experimental evidence demonstrating its impact on protein function have been reported. ClinVar contains an entry for this variant (Variation ID: 994904). Based on the evidence outlined above, the variant was classified as likely benign.

Labcorp Genetics (formerly Invitae), Labcorp
Classification: Likely benign. Last evaluated: 2025-10-23. Review status: criteria provided, single submitter. Criteria: Invitae Variant Classification Sherloc (09022015). Collection method: clinical testing. Allele origin: germline.

Blueprint Genetics
Classification: Likely benign. Last evaluated: 2024-10-22. Review status: criteria provided, single submitter. Criteria: ACMG Guidelines, 2015. Collection method: clinical testing. Allele origin: germline.

Athena Diagnostics
Classification: Likely benign. Last evaluated: 2024-05-31. Review status: criteria provided, single submitter. Criteria: Athena Diagnostics Criteria. Collection method: clinical testing. Allele origin: unknown.

CeGaT Center for Human Genetics Tuebingen
Classification: Uncertain significance. Last evaluated: 2022-02-01. Review status: criteria provided, single submitter. Criteria: CeGaT Center For Human Genetics Tuebingen Variant Classification Criteria Version 2. Collection method: clinical testing. Allele origin: germline. Affected: yes. Observed: 1 variant allele.

PreventionGenetics, part of Exact Sciences
Classification: Likely benign for ITPR1-related condition. Last evaluated: 2019-08-21. Review status: no assertion criteria provided. Collection method: clinical testing. Allele origin: germline. Not counted in ClinVar's aggregate classification.
Comment: This variant is classified as likely benign based on ACMG/AMP sequence variant interpretation guidelines (Richards et al. 2015 PMID: 25741868, with internal and published modifications).